The following is an entry in ClinVar:

NM_000271.5(NPC1):c.1947+8_1947+9insA

Gene: NPC1 (NPC intracellular cholesterol transporter 1; minus strand). Cytogenetic location: 18q11.2.
Variant type: Insertion.
Coding change: c.1947+8_1947+9insA on transcript NM_000271.5 (MANE Select); bases 8 to 9 of the intron after coding-DNA position 1947, A inserted.
Molecular consequence: intron variant.
Genome position: GRCh38 VCF-style: chr18-23544951-C-CT. GRCh37 (hg19) VCF-style: chr18-21124915-C-CT.
Identifiers: ClinVar variation 4990412 (VCV004990412.1).

ClinVar aggregate classification (germline): Likely benign (1 of 4 stars; one submission).

Conditions:
NPC1-related disorder. Also called: NPC1-related condition.

Submission:

PreventionGenetics, part of Exact Sciences
Classification: Likely benign for NPC1-related condition. Last evaluated: 2025-02-10. Review status: criteria provided, single submitter. Criteria: ACMG Guidelines, 2015. Collection method: clinical testing. Allele origin: germline.
Comment: This variant is classified as likely benign based on ACMG/AMP sequence variant interpretation guidelines (Richards et al. 2015 PMID: 25741868, with internal and published modifications).